The following is an entry in ClinVar:

NM_001127222.2(CACNA1A):c.1706T>C (p.Val569Ala)

Gene: CACNA1A (calcium voltage-gated channel subunit alpha1 A; minus strand). Cytogenetic location: 19p13.13.
Variant type: single nucleotide variant.
Coding change: c.1706T>C on transcript NM_001127222.2 (MANE Select); coding-DNA position 1706, T replaced by C.
Protein change: p.Val569Ala; replaces valine 569 with alanine.
Molecular consequence: missense variant.
Genome position (GRCh38, 1-based): chr19:13,308,491, A>G on the plus strand (T>C on the coding strand, the complement: CACNA1A is on the minus strand). VCF-style: chr19-13308491-A-G. GRCh37 (hg19) VCF-style: chr19-13419305-A-G.
Other names: c.1709T>C, p.Val570Ala (NM_000068.4, NM_001127221.2, NM_001174080.2 and 1 more transcripts); short protein forms V569A, V570A.
Identifiers: ClinVar variation 1215837 (VCV001215837.9), dbSNP rs2145005688, ClinGen allele CA404345173.

ClinVar aggregate classification (germline): Uncertain significance. Review status: criteria provided, multiple submitters, no conflicts (2 of 4 stars). 2 submissions from 2 submitters: Uncertain significance (2). Last evaluated 2025-08-03.

Conditions:
Episodic ataxia type 2 (EA2). Also called: ATAXIA, EPISODIC, WITH NYSTAGMUS; ATAXIA, FAMILIAL PAROXYSMAL; CEREBELLAR ATAXIA, PAROXYSMAL, ACETAZOLAMIDE-RESPONSIVE; CEREBELLOPATHY, HEREDITARY PAROXYSMAL; EPISODIC ATAXIA, NYSTAGMUS-ASSOCIATED; ACETAZOLAMIDE-RESPONSIVE HEREDITARY PAROXYSMAL CEREBELLAR ATAXIA. Identifiers: Orphanet 97, MedGen C1720416, MONDO:0007163, OMIM 108500.
Developmental and epileptic encephalopathy, 42 (DEE42A). Also called: DEVELOPMENTAL AND EPILEPTIC ENCEPHALOPATHY 42A; EPILEPTIC ENCEPHALOPATHY, EARLY INFANTILE, 42A; Epileptic encephalopathy, early infantile, 42. Identifiers: MedGen C4310716, MONDO:0014917, OMIM 617106.

Submissions (2):

Labcorp Genetics (formerly Invitae), Labcorp
Classification: Uncertain significance for Developmental and epileptic encephalopathy, 42; Episodic ataxia type 2. Last evaluated: 2025-08-03. Review status: criteria provided, single submitter. Criteria: Invitae Variant Classification Sherloc (09022015). Collection method: clinical testing. Allele origin: germline.
Comment: This sequence change replaces valine, which is neutral and non-polar, with alanine, which is neutral and non-polar, at codon 570 of the CACNA1A protein (p.Val570Ala). This variant is not present in population databases (gnomAD no frequency). This variant has not been reported in the literature in individuals affected with CACNA1A-related conditions. ClinVar contains an entry for this variant (Variation ID: 1215837). Invitae Evidence Modeling of protein sequence and biophysical properties (such as structural, functional, and spatial information, amino acid conservation, physicochemical variation, residue mobility, and thermodynamic stability) indicates that this missense variant is not expected to disrupt CACNA1A protein function with a negative predictive value of 95%. In summary, the available evidence is currently insufficient to determine the role of this variant in disease. Therefore, it has been classified as a Variant of Uncertain Significance.

GeneDx
Classification: Uncertain significance. Last evaluated: 2023-03-05. Review status: criteria provided, single submitter. Criteria: GeneDx Variant Classification Process June 2021. Collection method: clinical testing. Allele origin: germline. Affected: yes.
Comment: Not observed at significant frequency in large population cohorts (gnomAD); In silico analysis, which includes protein predictors and evolutionary conservation, supports that this variant does not alter protein structure/function; Has not been previously published as pathogenic or benign to our knowledge